The following is an entry in ClinVar:

ClinVar aggregate classification (germline): Likely pathogenic (0 of 4 stars; one submission).

Conditions:
Congenital secretory diarrhea, chloride type (DIAR1). Also called: DIARRHEA 1, SECRETORY CHLORIDE, CONGENITAL; CHLORIDORRHEA, CONGENITAL; CHLORIDE DIARRHEA, CONGENITAL, FINNISH TYPE. Identifiers: Orphanet 53689, MedGen C0267662, MONDO:0008964, OMIM 214700.

Submission:

Juha Muilu Group; Institute for Molecular Medicine Finland (FIMM)
Classification: Likely pathogenic for Congenital secretory diarrhea, chloride type. Review status: no assertion criteria provided. Collection method: not provided. Allele origin: unknown.
Comment: FinDis database variant: This variant was not found or characterized by our laboratory, data were collected from public sources: see reference
ClinVar note: Converted during submission from probable-pathogenic to Likely pathogenic.

NM_000111.3(SLC26A3):c.1551_1554del (p.Asn518fs)

Gene: SLC26A3 (solute carrier family 26 member 3; minus strand). Cytogenetic location: 7q22.3.
Variant type: Deletion.
Coding change: c.1551_1554del on transcript NM_000111.3 (MANE Select); coding-DNA positions 1551 to 1554, 4 bases deleted (CAAC; older notation c.1551_1554delCAAC).
Protein change: p.Asn518fs; shifts the reading frame from asparagine 518.
Molecular consequence: frameshift variant.
Genome position (GRCh38, 1-based): chr7:107,776,667-107,776,670, GTTG deleted on the plus strand (CAAC on the coding strand, the reverse complement: SLC26A3 is on the minus strand); deleting any 4 consecutive bases within chr7:107,776,667-107,776,673 gives the same sequence; the c. name uses the placement nearest the transcript's 3' end. VCF-style (leftmost placement, unchanged base first): chr7-107776666-TGTTG-T. GRCh37 (hg19) VCF-style: chr7-107417111-TGTTG-T.
Other names: c.1551_1554delCAAC (NM_000111.2); short protein forms N518fs.
Identifiers: ClinVar variation 55979 (VCV000055979.2), dbSNP rs386833461, ClinGen allele CA144064.
Genomic context (GRCh38, chr7:107,776,666, plus strand): 5'-CAAGTCAAAGAAAAACATGAATCTCCCTTACATCATAATAATCTTTTTTATTCTTATAGA[TGTTG>T]GTTCTTCCAATATTAGCCAGCGTGCTGCATTTTGGACTGTAGGGAGAAAAACACCAAGTA-3'